The following is an entry in ClinVar:

NM_014727.3(KMT2B):c.6209G>A (p.Ser2070Asn)

Gene: KMT2B (lysine methyltransferase 2B; plus strand). Cytogenetic location: 19q13.12.
Variant type: single nucleotide variant.
Coding change: c.6209G>A on transcript NM_014727.3 (MANE Select); coding-DNA position 6209, G replaced by A.
Protein change: p.Ser2070Asn; replaces serine 2070 with asparagine.
Molecular consequence: missense variant.
Genome position (GRCh38, 1-based): chr19:35,732,758, G>A. VCF-style: chr19-35732758-G-A. GRCh37 (hg19) VCF-style: chr19-36223659-G-A.
Other names: short protein forms S2070N.
Identifiers: ClinVar variation 4623072 (VCV004623072.2).

ClinVar aggregate classification (germline): Uncertain significance. Review status: criteria provided, multiple submitters, no conflicts (2 of 4 stars). 2 submissions from 2 submitters: Uncertain significance (2). Last evaluated 2025-12-14.

Conditions:
Inborn genetic diseases. Identifiers: MedGen C0950123, MeSH D030342.

gnomAD v4.1: 11 of 1,610,248 alleles (0.00068%); highest among the groups gnomAD compares: African/African-American, 0.008%; no homozygotes.

Submissions (2):

Labcorp Genetics (formerly Invitae), Labcorp
Classification: Uncertain significance. Last evaluated: 2025-12-14. Review status: criteria provided, single submitter. Criteria: Invitae Variant Classification Sherloc (09022015). Collection method: clinical testing. Allele origin: germline.
Comment: This sequence change replaces serine, which is neutral and polar, with asparagine, which is neutral and polar, at codon 2070 of the KMT2B protein (p.Ser2070Asn). The frequency data for this variant in the population databases is considered unreliable, as metrics indicate poor data quality at this position in the gnomAD database. This variant has not been reported in the literature in individuals affected with KMT2B-related conditions. Invitae Evidence Modeling of protein sequence and biophysical properties (such as structural, functional, and spatial information, amino acid conservation, physicochemical variation, residue mobility, and thermodynamic stability) has been performed for this missense variant. However, the output from this modeling did not meet the statistical confidence thresholds required to predict the impact of this variant on KMT2B protein function. In summary, the available evidence is currently insufficient to determine the role of this variant in disease. Therefore, it has been classified as a Variant of Uncertain Significance.

Ambry Genetics
Classification: Uncertain significance for Inborn genetic diseases. Last evaluated: 2025-10-08. Review status: criteria provided, single submitter. Criteria: Ambry Variant Classification Scheme 2023. Collection method: clinical testing. Allele origin: germline.